The following is an entry in ClinVar:

NM_001277115.2(DNAH11):c.6152C>T (p.Thr2051Met)

Gene: DNAH11 (dynein axonemal heavy chain 11; plus strand). Cytogenetic location: 7p15.3.
Variant type: single nucleotide variant.
Coding change: c.6152C>T on transcript NM_001277115.2 (MANE Select); coding-DNA position 6152, C replaced by T.
Protein change: p.Thr2051Met; replaces threonine 2051 with methionine.
Molecular consequence: missense variant.
Genome position (GRCh38, 1-based): chr7:21,698,185, C>T. VCF-style: chr7-21698185-C-T. GRCh37 (hg19) VCF-style: chr7-21737803-C-T.
Other names: short protein forms T2051M.
Identifiers: ClinVar variation 359640 (VCV000359640.17), dbSNP rs375341444, ClinGen allele CA4180699.
Genomic context (GRCh38, chr7:21,698,185, plus strand): 5'-TAGTTGCTGAAGGTTTTGTGGATGCGCGTGCATTAGCCCGAAAGTTCATTACGTTGTACA[C>T]GCTTTGCAAGGAGCTTCTCTCCAAGCAGGTGAGGGATCATTTGTTACGTTTTCTTGTTTT-3'
Protein context (NP_001264044.1, residues 2041-2061): ALARKFITLY[Thr2051Met]LCKELLSKQD

ClinVar aggregate classification (germline): Conflicting classifications of pathogenicity. Review status: criteria provided, conflicting classifications (1 of 4 stars). 3 submissions from 3 submitters: Uncertain significance (2); Benign (1). Last evaluated 2025-12-29.

Conditions:
Primary ciliary dyskinesia. Also called: Ciliary dyskinesia. Identifiers: Orphanet 244, MedGen C0008780, MONDO:0016575, HP:0012265.

Allele frequency attached by ClinVar (database versions not stated): ESP Exome Variant Server 0.00008; gnomAD exomes 0.00002 and 0.00004; gnomAD 0.00003 and 0.00004; TOPMed 0.00003; ExAC 0.00006.
gnomAD v4.1: 37 of 1,613,414 alleles (0.0023%); highest among the groups gnomAD compares: South Asian, 0.0077%; no homozygotes.

Submissions (3):

Labcorp Genetics (formerly Invitae), Labcorp
Classification: Benign for Primary ciliary dyskinesia. Last evaluated: 2025-12-29. Review status: criteria provided, single submitter. Criteria: Invitae Variant Classification Sherloc (09022015). Collection method: clinical testing. Allele origin: germline.

Ambry Genetics
Classification: Uncertain significance for Primary ciliary dyskinesia. Last evaluated: 2021-08-13. Review status: criteria provided, single submitter. Criteria: Ambry Variant Classification Scheme 2023. Collection method: clinical testing. Allele origin: germline.

Laboratory for Molecular Medicine, Mass General Brigham Personalized Medicine
Classification: Uncertain significance. Last evaluated: 2017-03-13. Review status: criteria provided, single submitter. Criteria: LMM Criteria. Collection method: clinical testing. Allele origin: germline. Observed: 1 variant allele.
Comment: The p.Thr2051Met variant in DNAH11 has not been previously reported in individua ls with pulmonary disease, but has been identified in 5/66626 European chromosom es by the Exome Aggregation Consortium (ExAC; db SNP rs375341444). This variant has been identified in ClinVar (Variant ID: 35964 0). Computational prediction tools and conservation analysis suggest that the p. Thr2051Met variant may not impact the protein, though this information is not pr edictive enough to rule out pathogenicity. In summary, the clinical significance of the p.Thr2051Met variant is uncertain.